The following is an entry in ClinVar:

ClinVar aggregate classification (germline): Uncertain significance (1 of 4 stars; one submission).

Submission:

Labcorp Genetics (formerly Invitae), Labcorp
Classification: Uncertain significance. Last evaluated: 2024-11-18. Review status: criteria provided, single submitter. Criteria: Invitae Variant Classification Sherloc (09022015). Collection method: clinical testing. Allele origin: germline.
Comment: This sequence change replaces glutamine, which is neutral and polar, with lysine, which is basic and polar, at codon 898 of the NEXMIF protein (p.Gln898Lys). This variant is not present in population databases (gnomAD no frequency). This variant has not been reported in the literature in individuals affected with NEXMIF-related conditions. ClinVar contains an entry for this variant (Variation ID: 1381473). An algorithm developed to predict the effect of missense changes on protein structure and function (PolyPhen-2) suggests that this variant is likely to be tolerated. In summary, the available evidence is currently insufficient to determine the role of this variant in disease. Therefore, it has been classified as a Variant of Uncertain Significance.

NM_001008537.3(NEXMIF):c.2692C>A (p.Gln898Lys)

Gene: NEXMIF (neurite extension and migration factor; minus strand). Cytogenetic location: Xq13.3.
Variant type: single nucleotide variant.
Coding change: c.2692C>A on transcript NM_001008537.3 (MANE Select); coding-DNA position 2692, C replaced by A.
Protein change: p.Gln898Lys; replaces glutamine 898 with lysine.
Molecular consequence: missense variant.
Genome position (GRCh38, 1-based): chrX:74,741,865, G>T on the plus strand (C>A on the coding strand, the complement: NEXMIF is on the minus strand). VCF-style: chrX-74741865-G-T. GRCh37 (hg19) VCF-style: chrX-73961700-G-T.
Other names: short protein forms Q898K.
Identifiers: ClinVar variation 1381473 (VCV001381473.8), dbSNP rs2147440019, ClinGen allele CA413667652.